The following is an entry in ClinVar:

NM_017617.5(NOTCH1):c.3901+3G>A

Gene: NOTCH1 (notch receptor 1; minus strand). Cytogenetic location: 9q34.3.
Variant type: single nucleotide variant.
Coding change: c.3901+3G>A on transcript NM_017617.5 (MANE Select); 3 bases into the intron after coding-DNA position 3901, G replaced by A.
Molecular consequence: intron variant.
Genome position (GRCh38, 1-based): chr9:136,506,713, C>T on the plus strand (G>A on the coding strand, the complement: NOTCH1 is on the minus strand). VCF-style: chr9-136506713-C-T. GRCh37 (hg19) VCF-style: chr9-139401165-C-T.
Other names: c.3901+3G>A (LRG_1122t1).
Identifiers: ClinVar variation 155828 (VCV000155828.20), dbSNP rs373113999, ClinGen allele CA345868.
Genomic context (GRCh38, chr9:136,506,713, plus strand): 5'-CAGGGCAGTGAGAGGCTCACCCTGCTGCCCCACACGCCCCACCCGCCTGGGCGCGGCACC[C>T]ACCGGTGTGACCAGCACGGCACTCGCAGTGGAAGTCATTGACGCGCTGCACGCAGTTCTG-3'

ClinVar aggregate classification (germline): Conflicting classifications of pathogenicity. Review status: criteria provided, conflicting classifications (1 of 4 stars). 10 submissions from 8 submitters: Uncertain significance (1); Benign (4); Likely benign (3). 2 of the submissions do not count toward it. Last evaluated 2025-12-22.

Conditions:
Connective tissue disorder. Also called: Connective tissue disease. Identifiers: MedGen C0009782, MONDO:0003900.
Adams-Oliver syndrome 5 (AOS5). Identifiers: Orphanet 974, MedGen C4014970, MONDO:0014459, OMIM 616028.
Familial thoracic aortic aneurysm and aortic dissection (TAAD). Also called: Thoracic aortic aneurysms and dissections. Identifiers: Orphanet 91387, MedGen C4707243, MONDO:0019625.
Marfan syndrome (MFS). Also called: Marfan syndrome, classic; FBN1-Related Marfan Syndrome; Marfan syndrome type 1; Marfan's syndrome; MARFAN SYNDROME, TYPE I. Identifiers: Orphanet 284963, Orphanet 558, MedGen C0024796, MONDO:0007947, OMIM 154700.
Aortic valve disease 1 (AOVD1). Identifiers: MedGen C3887892, MONDO:0024523, OMIM 109730.

Allele frequency attached by ClinVar (database versions not stated): ExAC 0.00128; gnomAD exomes 0.00027 and 0.00068; ESP Exome Variant Server 0.00008; 1000 Genomes Project 30x 0.00016; TOPMed 0.00007; gnomAD 0.00043.
gnomAD v4.1: 478 of 1,598,224 alleles (0.03%); highest among the groups gnomAD compares: East Asian, 0.043%; 1 homozygote.

Submissions (10):

Labcorp Genetics (formerly Invitae), Labcorp
Classification: Benign for Adams-Oliver syndrome 5. Last evaluated: 2025-12-22. Review status: criteria provided, single submitter. Criteria: Invitae Variant Classification Sherloc (09022015). Collection method: clinical testing. Allele origin: germline.

ARUP Laboratories, Molecular Genetics and Genomics, ARUP Laboratories
Classification: Likely benign. Last evaluated: 2024-07-10. Review status: criteria provided, single submitter. Criteria: ARUP Molecular Germline Variant Investigation Process 2024. Collection method: clinical testing. Allele origin: germline.

Genome-Nilou Lab
Classification: Benign for Adams-Oliver syndrome 5. Last evaluated: 2022-03-15. Review status: criteria provided, single submitter. Criteria: ACMG Guidelines, 2015. Collection method: clinical testing. Allele origin: germline. Affected: no.

Genome-Nilou Lab
Classification: Benign for Aortic valve disease 1. Last evaluated: 2022-03-15. Review status: criteria provided, single submitter. Criteria: ACMG Guidelines, 2015. Collection method: clinical testing. Allele origin: germline. Affected: no.

Ambry Genetics
Classification: Uncertain significance for Familial thoracic aortic aneurysm and aortic dissection. Last evaluated: 2021-03-16. Review status: criteria provided, single submitter. Criteria: Ambry Variant Classification Scheme 2023. Collection method: clinical testing. Allele origin: germline.
Comment: The c.3901+3G>A intronic alteration consists of a G to A substitution nucleotides after coding exon 23 in the NOTCH1 gene. Based on insufficient or conflicting evidence, the clinical significance of this alteration remains unclear.

GeneDx
Classification: Likely benign. Last evaluated: 2021-02-19. Review status: criteria provided, single submitter. Criteria: GeneDx Variant Classification Process June 2021. Collection method: clinical testing. Allele origin: germline. Affected: yes.

CHEO Genetics Diagnostic Laboratory, Children's Hospital of Eastern Ontario
Classification: Benign for Familial thoracic aortic aneurysm and aortic dissection. Last evaluated: 2018-06-29. Review status: criteria provided, single submitter. Criteria: ACMG Guidelines, 2015. Collection method: clinical testing. Allele origin: germline.

Center for Human Genetics, Inc
Classification: Likely benign for Connective tissue disorder. Last evaluated: 2016-11-01. Review status: criteria provided, single submitter. Criteria: ACMG Guidelines, 2015. Collection method: clinical testing. Allele origin: germline. Affected: yes.

Blueprint Genetics
Classification: Likely benign for Marfan's syndrome. Last evaluated: 2014-12-31. Review status: no assertion criteria provided. Collection method: clinical testing. Allele origin: germline. Affected: yes. Observed: 1 variant allele. Not counted in ClinVar's aggregate classification.
Comment: Found together with pathogenic FBN1:NM_000138.4:c.5783G>T

Blueprint Genetics
Classification: Likely benign for Thoracic aortic aneurysms and aortic dissections. Last evaluated: 2014-12-31. Review status: no assertion criteria provided. Collection method: clinical testing. Allele origin: germline. Affected: yes. Observed: 2 variant alleles. Not counted in ClinVar's aggregate classification.